The following is an entry in ClinVar:

ClinVar aggregate classification (germline): Uncertain significance (1 of 4 stars; one submission).

Conditions:
Inborn genetic diseases. Identifiers: MedGen C0950123, MeSH D030342.

gnomAD v4.1: 3 of 1,614,252 alleles (0.00019%); highest among the groups gnomAD compares: Admixed American, 0.0017%; no homozygotes.

Submission:

Ambry Genetics
Classification: Uncertain significance for Inborn genetic diseases. Last evaluated: 2026-04-27. Review status: criteria provided, single submitter. Criteria: Ambry Variant Classification Scheme 2023. Collection method: clinical testing. Allele origin: germline.
Comment: The c.2021C>A (p.A674D) alteration is located in exon 21 (coding exon 19) of the TMEM63A gene. This alteration results from a C to A substitution at nucleotide position 2021, causing the alanine (A) at amino acid position 674 to be replaced by an aspartic acid (D). Based on data from gnomAD, the A allele has an overall frequency of <0.001% (1/251424) total alleles studied. The highest observed frequency was 0.003% (1/34582) of Latino alleles. Based on insufficient or conflicting evidence, the clinical significance of this alteration remains unclear.

NM_014698.3(TMEM63A):c.2021C>A (p.Ala674Asp)

Gene: TMEM63A (transmembrane protein 63A; minus strand). Cytogenetic location: 1q42.12.
Variant type: single nucleotide variant.
Coding change: c.2021C>A on transcript NM_014698.3 (MANE Select); coding-DNA position 2021, C replaced by A.
Protein change: p.Ala674Asp; replaces alanine 674 with aspartic acid.
Molecular consequence: missense variant.
Genome position (GRCh38, 1-based): chr1:225,849,962, G>T on the plus strand (C>A on the coding strand, the complement: TMEM63A is on the minus strand). VCF-style: chr1-225849962-G-T. GRCh37 (hg19) VCF-style: chr1-226037663-G-T.
Other names: short protein forms A674D.
Identifiers: ClinVar variation 4865755 (VCV004865755.1).